The following is an entry in ClinVar:

ClinVar aggregate classification (germline): Uncertain significance. Review status: criteria provided, multiple submitters, no conflicts (2 of 4 stars). 2 submissions from 2 submitters: Uncertain significance (2). Last evaluated 2023-12-07.

Conditions:
Telangiectasia, hereditary hemorrhagic, type 5 (HHT5). Identifiers: Orphanet 774, MedGen C3809710, MONDO:0014217, OMIM 615506.

Allele frequency attached by ClinVar (database versions not stated): gnomAD 0.00002; TOPMed 0.00002; ExAC 0.00003; gnomAD exomes 0.00005.
gnomAD v4.1: 79 of 1,606,142 alleles (0.0049%); highest among the groups gnomAD compares: Non-Finnish European, 0.0065%; no homozygotes.

Submissions (2):

Mayo Clinic Laboratories, Mayo Clinic
Classification: Uncertain significance. Last evaluated: 2023-12-07. Review status: criteria provided, single submitter. Criteria: ACMG Guidelines, 2015. Collection method: clinical testing. Allele origin: germline. Observed: 1 variant allele.

Labcorp Genetics (formerly Invitae), Labcorp
Classification: Uncertain significance for Telangiectasia, hereditary hemorrhagic, type 5. Last evaluated: 2022-11-10. Review status: criteria provided, single submitter. Criteria: Invitae Variant Classification Sherloc (09022015). Collection method: clinical testing. Allele origin: germline.
Comment: This variant is present in population databases (rs782073059, gnomAD 0.007%). This sequence change replaces proline, which is neutral and non-polar, with leucine, which is neutral and non-polar, at codon 104 of the GDF2 protein (p.Pro104Leu). This missense change has been observed in individual(s) with clinical features of autosomal dominant GDF2-related conditions (Invitae). In summary, the available evidence is currently insufficient to determine the role of this variant in disease. Therefore, it has been classified as a Variant of Uncertain Significance. Algorithms developed to predict the effect of missense changes on protein structure and function are either unavailable or do not agree on the potential impact of this missense change (SIFT: "Deleterious"; PolyPhen-2: "Probably Damaging"; Align-GVGD: "Class C0").

NM_016204.4(GDF2):c.311C>T (p.Pro104Leu)

Gene: GDF2 (growth differentiation factor 2; plus strand). Cytogenetic location: 10q11.22.
Variant type: single nucleotide variant.
Coding change: c.311C>T on transcript NM_016204.4 (MANE Select); coding-DNA position 311, C replaced by T.
Protein change: p.Pro104Leu; replaces proline 104 with leucine.
Molecular consequence: missense variant.
Genome position (GRCh38, 1-based): chr10:47,322,979, C>T. VCF-style: chr10-47322979-C-T. GRCh37 (hg19) VCF-style: chr10-48416383-G-A.
Other names: p.Pro104Leu; short protein forms P104L.
Identifiers: ClinVar variation 2150596 (VCV002150596.3), dbSNP rs782073059, ClinGen allele CA5488165.